The following is an entry in ClinVar:

ClinVar aggregate classification (germline): Likely benign. Review status: criteria provided, multiple submitters, no conflicts (2 of 4 stars). 2 submissions from 2 submitters: Likely benign (2). Last evaluated 2025-09-02.

Conditions:
Autosomal dominant nonsyndromic hearing loss 1. Also called: KONIGSMARK SYNDROME; DEAFNESS, AUTOSOMAL DOMINANT 1, WITH OR WITHOUT THROMBOCYTOPENIA. Identifiers: Orphanet 90635, MedGen C1852282, MONDO:0007424, OMIM 124900.
Progressive microcephaly-seizures-cortical blindness-developmental delay syndrome. Also called: Seizures, cortical blindness, and microcephaly syndrome. Identifiers: Orphanet 477814, MedGen C5567650, MONDO:0014714, OMIM 616632.

Allele frequency attached by ClinVar (database versions not stated): gnomAD exomes 0.00001; gnomAD 0.00003 and 0.00004; TOPMed 0.00003.
gnomAD v4.1: 9 of 1,613,842 alleles (0.00056%); highest among the groups gnomAD compares: African/African-American, 0.012%; no homozygotes.

Submissions (2):

Labcorp Genetics (formerly Invitae), Labcorp
Classification: Likely benign for Progressive microcephaly-seizures-cortical blindness-developmental delay syndrome; Autosomal dominant nonsyndromic hearing loss 1. Last evaluated: 2025-09-02. Review status: criteria provided, single submitter. Criteria: Invitae Variant Classification Sherloc (09022015). Collection method: clinical testing. Allele origin: germline.

Laboratory for Molecular Medicine, Mass General Brigham Personalized Medicine
Classification: Likely benign. Last evaluated: 2017-12-21. Review status: criteria provided, single submitter. Criteria: LMM Criteria. Collection method: clinical testing. Allele origin: germline. Observed: 1 variant allele.
Comment: p.Val846Val (c.2538A>G) variant in exon 19 of DIAPH1: This variant is not expect ed to have clinical significance because it does not alter an amino acid residue and is not located within the splice consensus sequence. It has been identified in 3/15276 African chromosomes in the Genome Aggregation Database (gnomAD). ACMG/AMP criteria applied: BP7.

NM_005219.5(DIAPH1):c.2538A>G (p.Val846=)

Gene: DIAPH1 (diaphanous related formin 1; minus strand). Cytogenetic location: 5q31.3.
Variant type: single nucleotide variant.
Coding change: c.2538A>G on transcript NM_005219.5 (MANE Select); coding-DNA position 2538, A replaced by G.
Protein change: p.Val846=; no amino-acid change (valine 846 retained).
Molecular consequence: synonymous variant.
Genome position (GRCh38, 1-based): chr5:141,534,378, T>C on the plus strand (A>G on the coding strand, the complement: DIAPH1 is on the minus strand). VCF-style: chr5-141534378-T-C. GRCh37 (hg19) VCF-style: chr5-140913945-T-C.
Other names: c.2511A>G, p.Val837= (NM_001079812.3); c.2538A>G, p.Val846= (NM_001314007.2).
Identifiers: ClinVar variation 506240 (VCV000506240.12), dbSNP rs973415272, ClinGen allele CA128428010.